The following is an entry in ClinVar:

ClinVar aggregate classification (germline): Uncertain significance. Review status: criteria provided, multiple submitters, no conflicts (2 of 4 stars). 2 submissions from 2 submitters: Uncertain significance (2). Last evaluated 2026-04-12.

Conditions:
Hereditary cancer-predisposing syndrome. Also called: Tumor predisposition; Hereditary neoplastic syndrome; Neoplastic Syndromes, Hereditary; Hereditary Cancer Syndrome. Identifiers: Orphanet 140162, MedGen C0027672, MeSH D009386, MONDO:0015356.

Submissions (2):

Ambry Genetics
Classification: Uncertain significance for Hereditary cancer-predisposing syndrome. Last evaluated: 2026-04-12. Review status: criteria provided, single submitter. Criteria: Ambry Variant Classification Scheme 2023. Collection method: clinical testing. Allele origin: germline.
Comment: The p.S2077C variant (also known as c.6230C>G), located in coding exon 45 of the POLE gene, results from a C to G substitution at nucleotide position 6230. The serine at codon 2077 is replaced by cysteine, an amino acid with dissimilar properties. This amino acid position is conserved. In addition, this alteration is predicted to be tolerated by in silico analysis. Based on the available evidence, the clinical significance of this variant remains unclear.

Labcorp Genetics (formerly Invitae), Labcorp
Classification: Uncertain significance. Last evaluated: 2025-12-30. Review status: criteria provided, single submitter. Criteria: Invitae Variant Classification Sherloc (09022015). Collection method: clinical testing. Allele origin: germline.
Comment: This sequence change replaces serine, which is neutral and polar, with cysteine, which is neutral and slightly polar, at codon 2077 of the POLE protein (p.Ser2077Cys). This variant is not present in population databases (gnomAD no frequency). This variant has not been reported in the literature in individuals affected with POLE-related conditions. ClinVar contains an entry for this variant (Variation ID: 2705248). Invitae Evidence Modeling of protein sequence and biophysical properties (such as structural, functional, and spatial information, amino acid conservation, physicochemical variation, residue mobility, and thermodynamic stability) indicates that this missense variant is not expected to disrupt POLE protein function with a negative predictive value of 80%. In summary, the available evidence is currently insufficient to determine the role of this variant in disease. Therefore, it has been classified as a Variant of Uncertain Significance.

NM_006231.4(POLE):c.6230C>G (p.Ser2077Cys)

Gene: POLE (DNA polymerase epsilon, catalytic subunit; minus strand). Cytogenetic location: 12q24.33.
Variant type: single nucleotide variant.
Coding change: c.6230C>G on transcript NM_006231.4 (MANE Select); coding-DNA position 6230, C replaced by G.
Protein change: p.Ser2077Cys; replaces serine 2077 with cysteine.
Molecular consequence: missense variant.
Genome position (GRCh38, 1-based): chr12:132,632,415, G>C on the plus strand (C>G on the coding strand, the complement: POLE is on the minus strand). VCF-style: chr12-132632415-G-C. GRCh37 (hg19) VCF-style: chr12-133209001-G-C.
Other names: c.6230C>G (NM_006231.2); short protein forms S2077C.
Identifiers: ClinVar variation 2705248 (VCV002705248.4), dbSNP rs2541854101, ClinGen allele CA387369607.
Genomic context (GRCh38, chr12:132,632,415, plus strand): 5'-AGCAGCAAGTGGGAACCGGGGAGGACAGGAAACATCTCTGAGAGCTCAGTGGAGTTCCGA[G>C]AGCCTGTGACTTTCTTCTGAATCTTCTGAGTGATGGTGAAGAAGCTCTGAGTGAGCTCAT-3'
Protein context (NP_006222.2, residues 2067-2087): TQKIQKKVTG[Ser2077Cys]RNSTELSEMF